The following is an entry in ClinVar:

ClinVar aggregate classification (germline): Benign. Review status: criteria provided, multiple submitters, no conflicts (2 of 4 stars). 10 submissions from 8 submitters: Benign (10). Last evaluated 2026-02-04.

Conditions:
Junctional epidermolysis bullosa with pyloric atresia. Also called: Junctional Epidermolysis Bullosa- Pyloric Atresia Syndrome; ITGB4-Related Epidermolysis Bullosa with Pyloric Atresia; Epidermolysis bullosa, junctional, with pyloric atresia and aplasia cutis congenita; Epidermolysis bullosa junctionalis with pyloric atresia; APLASIA CUTIS CONGENITA WITH GASTROINTESTINAL ATRESIA; CARMI SYNDROME. Identifiers: Orphanet 79403, MedGen C5676875, MONDO:0009183, OMIM 226730.
Epidermolysis bullosa simplex 1C, localized. Also called: Localized epidermolysis bullosa simplex; Weber-Cockayne Syndrome; Epidermolysis Bullosa Simplex, Weber-Cockayne Type; EBS, ACRAL FORM; EPIDERMOLYSIS BULLOSA OF HANDS AND FEET. Identifiers: Orphanet 79400, MedGen C0080333, MONDO:0007551, OMIM 131800.
Junctional epidermolysis bullosa, non-Herlitz type. Also called: COL17A1-Related Junctional Epidermolysis Bullosa; Epidermolysis bullosa, junctional, non-herlitz type, somatic mosaic revertant; Adult junctional epidermolysis bullosa; EPIDERMOLYSIS BULLOSA JUNCTIONALIS, DISENTIS TYPE; EPIDERMOLYSIS BULLOSA JUNCTIONALIS, NON-HERLITZ TYPE; EPIDERMOLYSIS BULLOSA JUNCTIONALIS, PROGRESSIVE. Identifiers: Orphanet 251393, Orphanet 79402, Orphanet 79405, Orphanet 89840, MedGen C0268374, MONDO:0009180, OMIM 226650.

Allele frequency attached by ClinVar (database versions not stated): 1000 Genomes Project 30x 0.36977; gnomAD 0.38432 and 0.37872; ESP Exome Variant Server 0.36552; TOPMed 0.37157; 1000 Genomes Project 0.37720.
gnomAD v4.1: 755,317 of 1,613,648 alleles (47%); highest among the groups gnomAD compares: Non-Finnish European, 49%; 182,550 homozygotes.

Submissions (10):

Labcorp Genetics (formerly Invitae), Labcorp
Classification: Benign. Last evaluated: 2026-02-04. Review status: criteria provided, single submitter. Criteria: Invitae Variant Classification Sherloc (09022015). Collection method: clinical testing. Allele origin: germline.

Blueprint Genetics
Classification: Benign. Last evaluated: 2024-11-28. Review status: criteria provided, single submitter. Criteria: ACMG Guidelines, 2015. Collection method: clinical testing. Allele origin: germline.

Mayo Clinic Laboratories, Mayo Clinic
Classification: Benign. Last evaluated: 2022-03-09. Review status: criteria provided, single submitter. Criteria: ACMG Guidelines, 2015. Collection method: clinical testing. Allele origin: germline. Observed: 92 variant alleles.

Genome-Nilou Lab
Classification: Benign for Epidermolysis bullosa simplex 1C, localized. Last evaluated: 2021-08-19. Review status: criteria provided, single submitter. Criteria: ACMG Guidelines, 2015. Collection method: clinical testing. Allele origin: germline. Affected: no.

Genome-Nilou Lab
Classification: Benign for Junctional epidermolysis bullosa, non-Herlitz type. Last evaluated: 2021-08-19. Review status: criteria provided, single submitter. Criteria: ACMG Guidelines, 2015. Collection method: clinical testing. Allele origin: germline. Affected: no.

Genome-Nilou Lab
Classification: Benign for Junctional epidermolysis bullosa with pyloric atresia. Last evaluated: 2021-08-19. Review status: criteria provided, single submitter. Criteria: ACMG Guidelines, 2015. Collection method: clinical testing. Allele origin: germline. Affected: no.

Illumina Laboratory Services, Illumina
Classification: Benign for Junctional epidermolysis bullosa with pyloric atresia. Last evaluated: 2018-01-13. Review status: criteria provided, single submitter. Criteria: ICSL Variant Classification Criteria 13 December 2019. Collection method: clinical testing. Allele origin: germline.
Comment: This variant was observed in the ICSL laboratory as part of a predisposition screen in an ostensibly healthy population. It had not been previously curated by ICSL or reported in the Human Gene Mutation Database (HGMD: prior to June 1st, 2018), and was therefore a candidate for classification through an automated scoring system. Utilizing variant allele frequency, disease prevalence and penetrance estimates, and inheritance mode, an automated score was calculated to assess if this variant is too frequent to cause the disease. Based on the score and internal cut-off values, a variant classified as benign is not then subjected to further curation. The score for this variant resulted in a classification of benign for this disease.

GeneDx
Classification: Benign. Last evaluated: 2015-03-03. Review status: criteria provided, single submitter. Criteria: GeneDx Variant Classification Process June 2021. Collection method: clinical testing. Allele origin: germline. Affected: yes.

Breakthrough Genomics
Classification: Benign. Review status: criteria provided, single submitter. Criteria: ACMG Guidelines, 2015. Collection method: not provided. Allele origin: germline. Inheritance: Autosomal recessive inheritance. Affected: yes.

PreventionGenetics, part of Exact Sciences
Classification: Benign. Review status: criteria provided, single submitter. Criteria: ACMG Guidelines, 2015. Collection method: clinical testing. Allele origin: germline.

NM_000213.5(ITGB4):c.4521C>G (p.Pro1507=)

Genes: GALK1 (galactokinase 1; minus strand), ITGB4 (integrin subunit beta 4; plus strand). Cytogenetic location: 17q25.1.
Variant type: single nucleotide variant.
Coding change: c.4521C>G on transcript NM_000213.5 (MANE Select); coding-DNA position 4521, C replaced by G.
Protein change: p.Pro1507=; no amino-acid change (proline 1507 retained).
Molecular consequence: synonymous variant. On other transcripts: intron variant (1).
Genome position (GRCh38, 1-based): chr17:75,754,778, C>G. VCF-style: chr17-75754778-C-G. GRCh37 (hg19) VCF-style: chr17-73750859-C-G.
Other names: p.Pro1507=; c.4311C>G, p.Pro1437= (NM_001005619.2, NM_001005731.3, NM_001321123.2 and 1 more transcripts); c.*23-3041G>C (NM_001381985.1).
Identifiers: ClinVar variation 255542 (VCV000255542.20), dbSNP rs8669, ClinGen allele CA8770133.